The following is an entry in ClinVar:

ClinVar aggregate classification (germline): Uncertain significance. Review status: criteria provided, multiple submitters, no conflicts (2 of 4 stars). 3 submissions from 3 submitters: Uncertain significance (3). Last evaluated 2025-06-09.

Conditions:
Malignant hyperthermia, susceptibility to, 1 (MHS1). Also called: Anesthesia related hyperthermia; Malignant hyperpyrexia; Fulminating hyperpyrexia; Pharmacogenic myopathy; Malignant hyperthermia suceptibility 1; RYR1-Related Malignant Hyperthermia Susceptibility. Identifiers: Orphanet 423, MedGen C2930980, MONDO:0007783, OMIM 145600.

Allele frequency attached by ClinVar (database versions not stated): TOPMed 0.00001.
gnomAD v4.1: 9 of 1,613,770 alleles (0.00056%); highest among the groups gnomAD compares: African/African-American, 0.0027%; no homozygotes.

Submissions (3):

Color Diagnostics, LLC DBA Color Health
Classification: Uncertain significance for Malignant hyperthermia, susceptibility to, 1. Last evaluated: 2025-06-09. Review status: criteria provided, single submitter. Criteria: ACMG Guidelines, 2015. Collection method: clinical testing. Allele origin: germline.
Comment: This missense variant replaces arginine with glutamine at codon 1258 of the RYR1 protein. Computational prediction suggests that this variant may have deleterious impact on protein structure and function. To our knowledge, functional studies have not been reported for this variant. This variant has not been reported in individuals affected with RYR1-related disorders in the literature. This variant has been identified in 2/247928 chromosomes in the general population by the Genome Aggregation Database (gnomAD). The available evidence is insufficient to determine the role of this variant in disease conclusively. Therefore, this variant is classified as a Variant of Uncertain Significance.

GeneDx
Classification: Uncertain significance. Last evaluated: 2025-03-23. Review status: criteria provided, single submitter. Criteria: GeneDx Variant Classification Process June 2021. Collection method: clinical testing. Allele origin: germline. Affected: yes.
Comment: Not observed at significant frequency in large population cohorts (gnomAD); In silico analysis supports that this missense variant has a deleterious effect on protein structure/function; Has not been previously published as pathogenic or benign to our knowledge

Revvity Omics, Revvity
Classification: Uncertain significance. Last evaluated: 2022-05-09. Review status: criteria provided, single submitter. Criteria: ACMG Guidelines, 2015. Collection method: clinical testing. Allele origin: germline.

NM_000540.3(RYR1):c.3773G>A (p.Arg1258Gln)

Gene: RYR1 (ryanodine receptor 1; plus strand). Cytogenetic location: 19q13.2.
Variant type: single nucleotide variant.
Coding change: c.3773G>A on transcript NM_000540.3 (MANE Select); coding-DNA position 3773, G replaced by A.
Protein change: p.Arg1258Gln; replaces arginine 1258 with glutamine.
Molecular consequence: missense variant.
Genome position (GRCh38, 1-based): chr19:38,473,384, G>A. VCF-style: chr19-38473384-G-A. GRCh37 (hg19) VCF-style: chr19-38964024-G-A.
Other names: c.3773G>A, p.Arg1258Gln (NM_001042723.2); short protein forms R1258Q.
Identifiers: ClinVar variation 2435574 (VCV002435574.5), dbSNP rs886054381, ClinGen allele CA405641365.
Genomic context (GRCh38, chr19:38,473,384, plus strand): 5'-GGCCTGGCCTAGCCCGCCTGCCCAGCCCAGTACTCCATTCCCTGCCACCTCAGGTATCCC[G>A]AGTGGACGGCACTGTGGACACGCCCCCCTGCCTGCGCCTGACCCACCGCACCTGGGGCTC-3'
Protein context (NP_000531.2, residues 1248-1268): PLEHPHYEVS[Arg1258Gln]VDGTVDTPPC